The following is an entry in ClinVar:

ClinVar aggregate classification (germline): Conflicting classifications of pathogenicity. Review status: criteria provided, conflicting classifications (1 of 4 stars). 5 submissions from 5 submitters: Uncertain significance (3); Likely benign (1). 1 of the submissions does not count toward it. Last evaluated 2026-07-06.

Conditions:
Hereditary cancer-predisposing syndrome. Also called: Neoplastic Syndromes, Hereditary; Hereditary neoplastic syndrome; Hereditary Cancer Syndrome; Tumor predisposition. Identifiers: Orphanet 140162, MedGen C0027672, MeSH D009386, MONDO:0015356.
Hereditary diffuse gastric adenocarcinoma (HDGC). Also called: DIFFUSE GASTRIC AND LOBULAR BREAST CANCER SYNDROME. Identifiers: Orphanet 26106, MedGen C1708349, MONDO:0007648, OMIM 137215.

gnomAD v4.1: 1 of 1,613,922 alleles (0.000062%); highest among the groups gnomAD compares: Non-Finnish European, 0.000085%; no homozygotes.

Submissions (5):

Ambry Genetics
Classification: Likely benign for Hereditary cancer-predisposing syndrome. Last evaluated: 2026-07-06. Review status: criteria provided, single submitter. Criteria: Ambry Variant Classification Scheme 2023. Collection method: clinical testing. Allele origin: germline.

Labcorp Genetics (formerly Invitae), Labcorp
Classification: Uncertain significance for Hereditary diffuse gastric adenocarcinoma. Last evaluated: 2025-07-01. Review status: criteria provided, single submitter. Criteria: Invitae Variant Classification Sherloc (09022015). Collection method: clinical testing. Allele origin: germline.
Comment: This sequence change replaces alanine, which is neutral and non-polar, with valine, which is neutral and non-polar, at codon 226 of the CDH1 protein (p.Ala226Val). This variant is not present in population databases (gnomAD no frequency). This variant has not been reported in the literature in individuals affected with CDH1-related conditions. ClinVar contains an entry for this variant (Variation ID: 463789). An algorithm developed to predict the effect of missense changes on protein structure and function (PolyPhen-2) suggests that this variant is likely to be tolerated. In summary, the available evidence is currently insufficient to determine the role of this variant in disease. Therefore, it has been classified as a Variant of Uncertain Significance.

Color Diagnostics, LLC DBA Color Health
Classification: Uncertain significance for Hereditary cancer-predisposing syndrome. Last evaluated: 2024-08-06. Review status: criteria provided, single submitter. Criteria: ACMG Guidelines, 2015. Collection method: clinical testing. Allele origin: germline.
Comment: This missense variant replaces alanine with valine at codon 226 of the CDH1 protein. To our knowledge, functional studies have not been reported for this variant. This variant has not been reported in individuals affected with CDH1-related disorders in the literature. This variant has not been identified in the general population by the Genome Aggregation Database (gnomAD). The available evidence is insufficient to determine the role of this variant in disease conclusively. Therefore, this variant is classified as a Variant of Uncertain Significance.

European Reference Network on Genetic Tumour Risk Syndromes (ERN-GENTURIS), i3s - Instituto de Investigação e Inovação em Saúde, University of Porto
Classification: Uncertain significance for Hereditary diffuse gastric adenocarcinoma. Last evaluated: 2022-08-01. Review status: criteria provided, single submitter. Criteria: Lee et al. (Hum Mutat. 2018). Collection method: clinical testing. Allele origin: germline. Inheritance: Autosomal dominant inheritance. Affected: no. Study: ERN GENTURIS.
Comment: PM2 (PMID: 30311375)

Department of Pathology and Laboratory Medicine, Sinai Health System
Classification: Uncertain significance for Hereditary diffuse gastric adenocarcinoma. Review status: no assertion criteria provided. Collection method: clinical testing. Allele origin: unknown. Affected: yes. Study: The Canadian Open Genetics Repository (COGR). Not counted in ClinVar's aggregate classification.
Comment: The CDH1 p.Ala226Val variant was not identified in the literature nor was it identified in the dbSNP database. The variant was identified in ClinVar (classified as uncertain significance by Invitae). The variant was not identified in the following control databases: the Exome Aggregation Consortium (August 8th 2016) or the Genome Aggregation Database (Feb 27, 2017). The p.Ala226 residue is not conserved in mammals and computational analyses (PolyPhen-2, SIFT, AlignGVGD, BLOSUM, MutationTaster) do not suggest a high likelihood of impact to the protein; however, this information is not predictive enough to rule out pathogenicity. The variant occurs outside of the splicing consensus sequence and in silico or computational prediction software programs (SpliceSiteFinder, MaxEntScan, NNSPLICE, GeneSplicer) do not predict a difference in splicing. In summary, based on the above information, the clinical significance of this variant cannot be determined with certainty at this time. This variant is classified as a variant of uncertain significance.

Literature cited by the submitters: PubMed 36436516 (cited by European Reference Network on Genetic Tumour Risk Syndromes (ERN-GENTURIS), i3s - Instituto de Investigação e Inovação em Saúde, University of Porto).

NM_004360.5(CDH1):c.677C>T (p.Ala226Val)

Gene: CDH1 (cadherin 1; plus strand). Cytogenetic location: 16q22.1.
Variant type: single nucleotide variant.
Coding change: c.677C>T on transcript NM_004360.5 (MANE Select); coding-DNA position 677, C replaced by T.
Protein change: p.Ala226Val; replaces alanine 226 with valine.
Molecular consequence: missense variant. On other transcripts: 5 prime UTR variant (2).
Genome position (GRCh38, 1-based): chr16:68,808,838, C>T. VCF-style: chr16-68808838-C-T. GRCh37 (hg19) VCF-style: chr16-68842741-C-T.
Other names: c.677C>T (LRG_301t1); c.677C>T, p.Ala226Val (NM_001317184.2); c.-939C>T (NM_001317185.2); c.-1143C>T (NM_001317186.2); short protein forms A226V.
Identifiers: ClinVar variation 463789 (VCV000463789.18), dbSNP rs1555515292, ClinGen allele CA396458141.